The following is an entry in ClinVar:

ClinVar aggregate classification (germline): Conflicting classifications of pathogenicity. Review status: criteria provided, conflicting classifications (1 of 4 stars). 2 submissions from 2 submitters: Uncertain significance (1); Likely benign (1). Last evaluated 2023-01-20.

Allele frequency attached by ClinVar (database versions not stated): gnomAD 0.00001; gnomAD exomes 0.00001; TOPMed 0.00002.
gnomAD v4.1: 13 of 1,610,634 alleles (0.00081%); highest among the groups gnomAD compares: East Asian, 0.0089%; no homozygotes.

Submissions (2):

Blueprint Genetics
Classification: Likely benign. Last evaluated: 2023-01-20. Review status: criteria provided, single submitter. Criteria: ACMG Guidelines, 2015. Collection method: clinical testing. Allele origin: germline.

Labcorp Genetics (formerly Invitae), Labcorp
Classification: Uncertain significance. Last evaluated: 2021-11-27. Review status: criteria provided, single submitter. Criteria: Invitae Variant Classification Sherloc (09022015). Collection method: clinical testing. Allele origin: germline.
Comment: In summary, the available evidence is currently insufficient to determine the role of this variant in disease. Therefore, it has been classified as a Variant of Uncertain Significance. Variants that disrupt the consensus splice site are a relatively common cause of aberrant splicing (PMID: 17576681, 9536098). Algorithms developed to predict the effect of sequence changes on RNA splicing suggest that this variant is not likely to affect RNA splicing. This variant has not been reported in the literature in individuals affected with POLR3A-related conditions. This variant is present in population databases (no rsID available, gnomAD 0.003%). This sequence change falls in intron 23 of the POLR3A gene. It does not directly change the encoded amino acid sequence of the POLR3A protein. It affects a nucleotide within the consensus splice site.

Literature cited by the submitters: PubMed 17576681 (cited by Labcorp Genetics (formerly Invitae), Labcorp); PubMed 9536098 (cited by Labcorp Genetics (formerly Invitae), Labcorp).

NM_007055.4(POLR3A):c.3071+4G>A

Gene: POLR3A (RNA polymerase III subunit A; minus strand). Cytogenetic location: 10q22.3.
Variant type: single nucleotide variant.
Coding change: c.3071+4G>A on transcript NM_007055.4 (MANE Select); 4 bases into the intron after coding-DNA position 3071, G replaced by A.
Molecular consequence: intron variant.
Genome position (GRCh38, 1-based): chr10:77,985,899, C>T on the plus strand (G>A on the coding strand, the complement: POLR3A is on the minus strand). VCF-style: chr10-77985899-C-T. GRCh37 (hg19) VCF-style: chr10-79745657-C-T.
Identifiers: ClinVar variation 2008427 (VCV002008427.4), dbSNP rs1378162640, ClinGen allele CA594428340.